The following is an entry in ClinVar:

ClinVar aggregate classification (germline): Uncertain significance (1 of 4 stars; one submission).

Conditions:
Bardet-Biedl syndrome (BBS). Identifiers: Orphanet 110, MedGen C0752166, MONDO:0015229.

Allele frequency attached by ClinVar (database versions not stated): TOPMed below 0.00001.

Submission:

Labcorp Genetics (formerly Invitae), Labcorp
Classification: Uncertain significance for Bardet-Biedl syndrome. Last evaluated: 2021-09-02. Review status: criteria provided, single submitter. Criteria: Invitae Variant Classification Sherloc (09022015). Collection method: clinical testing. Allele origin: germline.
Comment: This sequence change replaces leucine with glutamine at codon 516 of the WDPCP protein (p.Leu516Gln). The leucine residue is weakly conserved and there is a moderate physicochemical difference between leucine and glutamine. This variant is not present in population databases (ExAC no frequency). This variant has not been reported in the literature in individuals affected with WDPCP-related conditions. Algorithms developed to predict the effect of missense changes on protein structure and function output the following: SIFT: "Deleterious"; PolyPhen-2: "Benign"; Align-GVGD: "Class C25". The glutamine amino acid residue is found in multiple mammalian species, which suggests that this missense change does not adversely affect protein function. In summary, the available evidence is currently insufficient to determine the role of this variant in disease. Therefore, it has been classified as a Variant of Uncertain Significance.

NM_015910.7(WDPCP):c.1547T>A (p.Leu516Gln)

Gene: WDPCP (WD repeat containing planar cell polarity effector; minus strand). Cytogenetic location: 2p15.
Variant type: single nucleotide variant.
Coding change: c.1547T>A on transcript NM_015910.7 (MANE Select); coding-DNA position 1547, T replaced by A.
Protein change: p.Leu516Gln; replaces leucine 516 with glutamine.
Molecular consequence: missense variant. On other transcripts: non-coding transcript variant (3).
Genome position (GRCh38, 1-based): chr2:63,381,983, A>T on the plus strand (T>A on the coding strand, the complement: WDPCP is on the minus strand). VCF-style: chr2-63381983-A-T. GRCh37 (hg19) VCF-style: chr2-63609118-A-T.
Other names: c.1070T>A, p.Leu357Gln (NM_001042692.3); c.1475T>A, p.Leu492Gln (NM_001354044.2); c.1547T>A, p.Leu516Gln (NM_001354045.2); short protein forms L357Q, L492Q, L516Q.
Identifiers: ClinVar variation 1063653 (VCV001063653.6), dbSNP rs1692348691, ClinGen allele CA347063296.